The following is an entry in ClinVar:

NM_004958.4(MTOR):c.2410G>A (p.Glu804Lys)

Gene: MTOR (mechanistic target of rapamycin kinase; minus strand). Cytogenetic location: 1p36.22.
Variant type: single nucleotide variant.
Coding change: c.2410G>A on transcript NM_004958.4 (MANE Select); coding-DNA position 2410, G replaced by A.
Protein change: p.Glu804Lys; replaces glutamic acid 804 with lysine.
Molecular consequence: missense variant.
Genome position (GRCh38, 1-based): chr1:11,233,409, C>T on the plus strand (G>A on the coding strand, the complement: MTOR is on the minus strand). VCF-style: chr1-11233409-C-T. GRCh37 (hg19) VCF-style: chr1-11293466-C-T.
Other names: c.2410G>A, p.Glu804Lys (NM_001386500.1); c.1162G>A, p.Glu388Lys (NM_001386501.1); short protein forms E388K, E804K.
Identifiers: ClinVar variation 4799842 (VCV004799842.1).
Genomic context (GRCh38, chr1:11,233,409, plus strand): 5'-TTTCTTTTCCACCCTATCTCCGCTATGGAAAAAGTAGCTGCCCCTTTACCTGTGCCAATT[C>T]TCCTATTGTTGCCAGGACATTATTGATCACACCTGGGTTTGGATCAGGGTCTGGATCTTT-3'
Protein context (NP_004949.1, residues 794-814): VINNVLATIG[Glu804Lys]LAQVSGLEMR

ClinVar aggregate classification (germline): Uncertain significance (1 of 4 stars; one submission).

Submission:

Labcorp Genetics (formerly Invitae), Labcorp
Classification: Uncertain significance. Last evaluated: 2025-05-22. Review status: criteria provided, single submitter. Criteria: Invitae Variant Classification Sherloc (09022015). Collection method: clinical testing. Allele origin: germline.
Comment: This sequence change replaces glutamic acid, which is acidic and polar, with lysine, which is basic and polar, at codon 804 of the MTOR protein (p.Glu804Lys). This variant is not present in population databases (gnomAD no frequency). This variant has not been reported in the literature in individuals affected with MTOR-related conditions. Invitae Evidence Modeling of protein sequence and biophysical properties (such as structural, functional, and spatial information, amino acid conservation, physicochemical variation, residue mobility, and thermodynamic stability) indicates that this missense variant is not expected to disrupt MTOR protein function with a negative predictive value of 95%. In summary, the available evidence is currently insufficient to determine the role of this variant in disease. Therefore, it has been classified as a Variant of Uncertain Significance.